The following is an entry in ClinVar:

NC_012920.1(MT-ATP6):m.8623A>C

Gene: MT-ATP6 (mitochondrially encoded ATP synthase 6; plus strand).
Variant type: single nucleotide variant.
Genome position: chrM-8623-A-C.
Identifiers: ClinVar variation 692928 (VCV000692928.1), dbSNP rs1603221645, ClinGen allele CA414796997.

ClinVar aggregate classification (germline): Uncertain significance (1 of 4 stars; one submission).

Conditions:
Leigh syndrome (NULS). Also called: Leigh's necrotizing encephalopathy; Leigh's disease; Leigh Syndrome (mtDNA deletion); Leigh Disease; Subacute necrotizing encephalopathy; Necrotizing encephalopathy infantile subacute of Leigh. Identifiers: Orphanet 506, MedGen C2931891, MONDO:0009723, OMIM 256000.

Submission:

Wong Mito Lab, Molecular and Human Genetics, Baylor College of Medicine
Classification: Uncertain significance for Leigh syndrome. Last evaluated: 2019-10-17. Review status: criteria provided, single submitter. Criteria: Modified ACMG Guidelines (Unpublished). Collection method: clinical testing. Allele origin: germline.
Comment: The NC_012920.1:m.8623A>C (YP_003024031.1:p.Thr33Pro) variant in MTATP6 gene is interpretated to be a Uncertain Significance variant based on the modified ACMG guidelines (unpublished). This variant meets the following evidence codes: PP7, BP4